The following is an entry in ClinVar:

ClinVar aggregate classification (germline): Uncertain significance (1 of 4 stars; one submission).

gnomAD v4.1: 8 of 1,613,850 alleles (0.0005%); highest among the groups gnomAD compares: South Asian, 0.0011%; no homozygotes.

Submission:

CeGaT Center for Human Genetics Tuebingen
Classification: Uncertain significance. Last evaluated: 2026-06-01. Review status: criteria provided, single submitter. Criteria: CeGaT Center For Human Genetics Tuebingen Variant Classification Criteria Version 2. Collection method: clinical testing. Allele origin: germline. Affected: yes. Observed: 1 variant allele.
Comment: SYNE1: PM2, BP4

NM_182961.4(SYNE1):c.1403G>A (p.Arg468Gln)

Gene: SYNE1 (spectrin repeat containing nuclear envelope protein 1; minus strand). Cytogenetic location: 6q25.2.
Variant type: single nucleotide variant.
Coding change: c.1403G>A on transcript NM_182961.4 (MANE Select); coding-DNA position 1403, G replaced by A.
Protein change: p.Arg468Gln; replaces arginine 468 with glutamine.
Molecular consequence: missense variant.
Genome position (GRCh38, 1-based): chr6:152,472,361, C>T on the plus strand (G>A on the coding strand, the complement: SYNE1 is on the minus strand). VCF-style: chr6-152472361-C-T. GRCh37 (hg19) VCF-style: chr6-152793496-C-T.
Other names: c.1424G>A, p.Arg475Gln (NM_033071.5); short protein forms R468Q, R475Q.
Identifiers: ClinVar variation 4873790 (VCV004873790.2).